The following is an entry in ClinVar:

NM_000540.3(RYR1):c.2420A>G (p.Tyr807Cys)

Gene: RYR1 (ryanodine receptor 1; plus strand). Cytogenetic location: 19q13.2.
Variant type: single nucleotide variant.
Coding change: c.2420A>G on transcript NM_000540.3 (MANE Select); coding-DNA position 2420, A replaced by G.
Protein change: p.Tyr807Cys; replaces tyrosine 807 with cysteine.
Molecular consequence: missense variant.
Genome position (GRCh38, 1-based): chr19:38,460,434, A>G. VCF-style: chr19-38460434-A-G. GRCh37 (hg19) VCF-style: chr19-38951074-A-G.
Other names: c.2420A>G, p.Tyr807Cys (NM_001042723.2); short protein forms Y807C.
Identifiers: ClinVar variation 1375149 (VCV001375149.4), dbSNP rs1967666805, ClinGen allele CA405628891.
Genomic context (GRCh38, chr19:38,460,434, plus strand): 5'-GGGTGCGGTTCCTCCTTGGTGGCCGCCATGGTGAATTCAAGTTCCTGCCCCCACCTGGCT[A>G]TGCTCCATGCCATGAGGCTGTGCTCCCTCGAGAGCGACTCCATCTTGAACCCATCAAGGA-3'
Protein context (NP_000531.2, residues 797-817): GEFKFLPPPG[Tyr807Cys]APCHEAVLPR

ClinVar aggregate classification (germline): Uncertain significance. Review status: criteria provided, multiple submitters, no conflicts (2 of 4 stars). 2 submissions from 2 submitters: Uncertain significance (2). Last evaluated 2023-12-13.

Conditions:
RYR1-related disorder. Also called: RYR1-related condition; RYR1-related disorders. Identifiers: MedGen CN239331.
Malignant hyperthermia, susceptibility to, 1 (MHS1). Also called: Malignant hyperthermia suceptibility 1; RYR1-Related Malignant Hyperthermia Susceptibility; Anesthesia related hyperthermia; Malignant hyperpyrexia; Fulminating hyperpyrexia; Pharmacogenic myopathy. Identifiers: Orphanet 423, MedGen C2930980, MONDO:0007783, OMIM 145600.

Allele frequency attached by ClinVar (database versions not stated): gnomAD 0.00001.
gnomAD v4.1: 1 of 1,613,982 alleles (0.000062%); highest among the groups gnomAD compares: South Asian, 0.0011%; no homozygotes.

Submissions (2):

All of Us Research Program, National Institutes of Health
Classification: Uncertain significance for Malignant hyperthermia, susceptibility to, 1. Last evaluated: 2023-12-13. Review status: criteria provided, single submitter. Criteria: ACMG Guidelines, 2015. Collection method: clinical testing. Allele origin: germline. Inheritance: Autosomal dominant inheritance. Observed: 1 variant allele, 1 heterozygote.
Comment: This missense variant replaces tyrosine with cysteine at codon 807 of the RYR1 protein. Computational prediction suggests that this variant may have deleterious impact on protein structure and function (internally defined REVEL score threshold >= 0.7, PMID: 27666373). To our knowledge, functional studies have not been reported for this variant. This variant has not been reported in individuals affected with RYR1-related disorders in the literature. This variant has not been identified in the general population by the Genome Aggregation Database (gnomAD). The available evidence is insufficient to determine the role of this variant in disease conclusively. Therefore, this variant is classified as a Variant of Uncertain Significance.

This study involves interpretation of variants in research participants for the purpose of population health screening. Participant phenotype was not available at the time of variant classification. Additional details can be found in publication PMID: 35346344, PMCID: PMC8962531

Labcorp Genetics (formerly Invitae), Labcorp
Classification: Uncertain significance for RYR1-related disorder. Last evaluated: 2022-03-08. Review status: criteria provided, single submitter. Criteria: Invitae Variant Classification Sherloc (09022015). Collection method: clinical testing. Allele origin: germline.
Comment: This sequence change replaces tyrosine, which is neutral and polar, with cysteine, which is neutral and slightly polar, at codon 807 of the RYR1 protein (p.Tyr807Cys). This variant is not present in population databases (gnomAD no frequency). This variant has not been reported in the literature in individuals affected with RYR1-related conditions. Advanced modeling of protein sequence and biophysical properties (such as structural, functional, and spatial information, amino acid conservation, physicochemical variation, residue mobility, and thermodynamic stability) performed at Invitae indicates that this missense variant is expected to disrupt RYR1 protein function. In summary, the available evidence is currently insufficient to determine the role of this variant in disease. Therefore, it has been classified as a Variant of Uncertain Significance.